The following is an entry in ClinVar:

ClinVar aggregate classification (germline): Benign/Likely benign. Review status: criteria provided, multiple submitters, no conflicts (2 of 4 stars). 3 submissions from 3 submitters: Benign (1); Likely benign (2). Last evaluated 2024-12-02.

Conditions:
Hereditary cancer-predisposing syndrome. Also called: Tumor predisposition; Hereditary neoplastic syndrome; Neoplastic Syndromes, Hereditary; Hereditary Cancer Syndrome. Identifiers: Orphanet 140162, MedGen C0027672, MeSH D009386, MONDO:0015356.
Familial cancer of breast. Also called: Hereditary breast cancer; BREAST CANCER, FAMILIAL; hereditary breast carcinoma. Identifiers: Orphanet 227535, MedGen C0346153, MONDO:0016419, OMIM 114480. Disease mechanism: loss of function.

gnomAD v4.1: 3 of 1,613,914 alleles (0.00019%); highest among the groups gnomAD compares: Non-Finnish European, 0.000085%; no homozygotes.

Submissions (3):

Labcorp Genetics (formerly Invitae), Labcorp
Classification: Likely benign for Familial cancer of breast. Last evaluated: 2024-12-02. Review status: criteria provided, single submitter. Criteria: Invitae Variant Classification Sherloc (09022015). Collection method: clinical testing. Allele origin: germline.

Myriad Genetics, Inc.
Classification: Benign for Familial cancer of breast. Last evaluated: 2024-10-01. Review status: criteria provided, single submitter. Criteria: Myriad Autosomal Dominant, Autosomal Recessive and X-Linked Classification Criteria (2023). Collection method: clinical testing. Allele origin: unknown.
Comment: This variant is considered benign. This variant is a silent/synonymous amino acid change and it is not expected to impact splicing.

Ambry Genetics
Classification: Likely benign for Hereditary cancer-predisposing syndrome. Last evaluated: 2022-08-18. Review status: criteria provided, single submitter. Criteria: Ambry Variant Classification Scheme 2023. Collection method: clinical testing. Allele origin: germline.

NM_007194.4(CHEK2):c.51C>A (p.Ala17=)

Gene: CHEK2 (checkpoint kinase 2; minus strand). Cytogenetic location: 22q12.1.
Variant type: single nucleotide variant.
Coding change: c.51C>A on transcript NM_007194.4 (MANE Select); coding-DNA position 51, C replaced by A.
Protein change: p.Ala17=; no amino-acid change (alanine 17 retained).
Molecular consequence: synonymous variant.
Genome position (GRCh38, 1-based): chr22:28,734,671, G>T on the plus strand (C>A on the coding strand, the complement: CHEK2 is on the minus strand). VCF-style: chr22-28734671-G-T. GRCh37 (hg19) VCF-style: chr22-29130659-G-T.
Other names: c.51C>A, p.Ala17= (NM_001005735.3, NM_001349956.3, NM_145862.3); c.-727C>A (NM_001257387.3).
Identifiers: ClinVar variation 1660554 (VCV001660554.12), dbSNP rs1601853973, ClinGen allele CA513946638.